The following is an entry in ClinVar:

NM_005045.4(RELN):c.-24GGC[16] (p.Met1_Glu2insGlyGlyGlyGlyGlyGlyGlyGly)

Gene: RELN (reelin; minus strand). Cytogenetic location: 7q22.1.
Variant type: Microsatellite.
Coding change: c.-24GGC[16] on transcript NM_005045.4 (MANE Select); 16 copies in a row of the 3-base unit GGC starting at c.-24; the reference has eight copies in a row; eight copies, 24 bases duplicated.
Protein change: p.Met1_Glu2insGlyGlyGlyGlyGlyGlyGlyGly.
Molecular consequence: inframe insertion.
Genome position (GRCh38, 1-based): chr7:103,989,357-103,989,380, GCCGCCGCCGCCGCCGCCGCCGCC duplicated on the plus strand (GGCGGCGGCGGCGGCGGCGGCGGC on the coding strand, the reverse complement: RELN is on the minus strand); duplicating any 24 consecutive bases within chr7:103,989,357-103,989,382 gives the same sequence; the position shown is the placement nearest the transcript's 3' end. VCF-style (leftmost placement, unchanged base first): chr7-103989356-T-TGCCGCCGCCGCCGCCGCCGCCGCC. GRCh37 (hg19) VCF-style: chr7-103629803-T-TGCCGCCGCCGCCGCCGCCGCCGCC.
Other names: c.-24_-1dup24 (NM_005045.3); c.-24GGC[16], p.Met1_Glu2insGlyGlyGlyGlyGlyGlyGlyGly (NM_173054.3).
Identifiers: ClinVar variation 358428 (VCV000358428.7), dbSNP rs55656324, ClinGen allele CA10624977.
Genomic context (GRCh38, chr7:103,989,356, plus strand): 5'-GCGTCGCCCCCAGCAACAGCGCTAGGAGGAAAGTCTGCCGGGCCCAGCCACTGCGCTCCA[T>TGCCGCCGCCGCCGCCGCCGCCGCC]GCCGCCGCCGCCGCCGCCGCCGCCGCGCGCCCTACGCGCCGCTCGCTCATTCAGTTTTGG-3'

ClinVar aggregate classification (germline): Likely benign. Review status: criteria provided, single submitter (1 of 4 stars). 2 submissions from 2 submitters: Likely benign (1). 1 of the submissions does not count toward it. Last evaluated 2024-11-20.

Conditions:
RELN-related disorder. Also called: RELN-related condition.

Submissions (2):

Blueprint Genetics
Classification: Likely benign. Last evaluated: 2024-11-20. Review status: criteria provided, single submitter. Criteria: ACMG Guidelines, 2015. Collection method: clinical testing. Allele origin: germline.

PreventionGenetics, part of Exact Sciences
Classification: Likely benign for RELN-related condition. Last evaluated: 2024-07-03. Review status: no assertion criteria provided. Collection method: clinical testing. Allele origin: germline. Not counted in ClinVar's aggregate classification.
Comment: This variant is classified as likely benign based on ACMG/AMP sequence variant interpretation guidelines (Richards et al. 2015 PMID: 25741868, with internal and published modifications).